The following is an entry in ClinVar:

ClinVar aggregate classification (germline): Uncertain significance (1 of 4 stars; one submission).

Allele frequency attached by ClinVar (database versions not stated): gnomAD exomes below 0.00001.

Submission:

Genetic Services Laboratory, University of Chicago
Classification: Uncertain significance. Last evaluated: 2020-08-20. Review status: criteria provided, single submitter. Criteria: ACMG Guidelines, 2015. Collection method: clinical testing. Allele origin: germline. Affected: no.
Comment: DNA sequence analysis of the ABCC8 gene demonstrated a sequence change, c.899T>C, in exon 6 that results in an amino acid change, p.Val300Ala. This sequence change does not appear to have been previously described in patients with ABCC8-related disorders. This sequence change is absent from the large population databases (ExAC and gnomAD). The p.Val300Ala change affects a moderately conserved amino acid residue located in a domain of the ABCC8 protein that is known to be functional. The p.Val300Ala substitution appears to be deleterious using several in-silico pathogenicity prediction tools (SIFT, MutationTaster, Align GVGD, REVEL).Due to these contrasting evidences and the lack of functional studies, the clinical significance of the p.Val300Ala change remains unknown at this time.

NM_000352.6(ABCC8):c.899T>C (p.Val300Ala)

Gene: ABCC8 (ATP binding cassette subfamily C member 8; minus strand). Cytogenetic location: 11p15.1.
Variant type: single nucleotide variant.
Coding change: c.899T>C on transcript NM_000352.6 (MANE Select); coding-DNA position 899, T replaced by C.
Protein change: p.Val300Ala; replaces valine 300 with alanine.
Molecular consequence: missense variant. On other transcripts: non-coding transcript variant (1).
Genome position (GRCh38, 1-based): chr11:17,460,600, A>G on the plus strand (T>C on the coding strand, the complement: ABCC8 is on the minus strand). VCF-style: chr11-17460600-A-G. GRCh37 (hg19) VCF-style: chr11-17482147-A-G.
Other names: c.899T>C, p.Val300Ala (NM_001287174.3, NM_001351295.2); c.896T>C, p.Val299Ala (NM_001351296.2, NM_001351297.2); short protein forms V299A, V300A.
Identifiers: ClinVar variation 1338588 (VCV001338588.4), dbSNP rs2133674861, ClinGen allele CA379777115.